The following is an entry in ClinVar:

ClinVar aggregate classification (germline): Benign. Review status: criteria provided, multiple submitters, no conflicts (2 of 4 stars). 2 submissions from 2 submitters: Benign (2). Last evaluated 2018-06-19.

Conditions:
Myofibrillar myopathy 3 (MFM3). Also called: Muscular dystrophy, proximal, type 1A; Autosomal dominant spheroid body myopathy. Identifiers: Orphanet 266, Orphanet 268129, MedGen C3714934, MONDO:0012215, OMIM 609200.

Allele frequency attached by ClinVar (database versions not stated): gnomAD 0.10310 and 0.11421; TOPMed 0.11482; gnomAD exomes 0.14797; 1000 Genomes Project 30x 0.17895; 1000 Genomes Project 0.18570.
gnomAD v4.1: 161,775 of 1,132,776 alleles (14%); highest among the groups gnomAD compares: East Asian, 32%; 14,548 homozygotes.

Submissions (2):

GeneDx
Classification: Benign. Last evaluated: 2018-06-19. Review status: criteria provided, single submitter. Criteria: GeneDx Variant Classification Process June 2021. Collection method: clinical testing. Allele origin: germline. Affected: yes.

Illumina Laboratory Services, Illumina
Classification: Benign for Myofibrillar myopathy 3. Last evaluated: 2018-01-13. Review status: criteria provided, single submitter. Criteria: ICSL Variant Classification Criteria 13 December 2019. Collection method: clinical testing. Allele origin: germline.
Comment: This variant was observed in the ICSL laboratory as part of a predisposition screen in an ostensibly healthy population. It had not been previously curated by ICSL or reported in the Human Gene Mutation Database (HGMD: prior to June 1st, 2018), and was therefore a candidate for classification through an automated scoring system. Utilizing variant allele frequency, disease prevalence and penetrance estimates, and inheritance mode, an automated score was calculated to assess if this variant is too frequent to cause the disease. Based on the score and internal cut-off values, a variant classified as benign is not then subjected to further curation. The score for this variant resulted in a classification of benign for this disease.

NM_006790.3(MYOT):c.*98G>A

Genes: MYOT (myotilin; plus strand), PKD2L2-DT (PKD2L2 divergent transcript; minus strand). Cytogenetic location: 5q31.2.
Variant type: single nucleotide variant.
Coding change: c.*98G>A on transcript NM_006790.3 (MANE Select); 98 bases downstream of the stop codon, G replaced by A.
Molecular consequence: 3 prime UTR variant.
Genome position (GRCh38, 1-based): chr5:137,887,483, G>A. VCF-style: chr5-137887483-G-A. GRCh37 (hg19) VCF-style: chr5-137223172-G-A.
Other names: c.*98G>A (NM_001135940.2, NM_001300911.2).
Identifiers: ClinVar variation 351030 (VCV000351030.8), dbSNP rs4288, ClinGen allele CA10622832.